The following is an entry in ClinVar:

NM_001005242.3(PKP2):c.2292G>C (p.Gln764His)

Gene: PKP2 (plakophilin 2; minus strand). Cytogenetic location: 12p11.21.
Variant type: single nucleotide variant.
Coding change: c.2292G>C on transcript NM_001005242.3 (MANE Select); coding-DNA position 2292, G replaced by C.
Protein change: p.Gln764His; replaces glutamine 764 with histidine.
Molecular consequence: missense variant.
Genome position (GRCh38, 1-based): chr12:32,796,174, C>G on the plus strand (G>C on the coding strand, the complement: PKP2 is on the minus strand). VCF-style: chr12-32796174-C-G. GRCh37 (hg19) VCF-style: chr12-32949108-C-G.
Other names: c.2127G>C, p.Gln709His (NM_001407156.1); c.1965G>C, p.Gln655His (NM_001407158.1, NM_001407159.1); c.2424G>C, p.Gln808His (NM_004572.4); short protein forms Q655H, Q709H, Q764H, Q808H.
Identifiers: ClinVar variation 1721493 (VCV001721493.5), dbSNP rs2541190069, ClinGen allele CA384357704.
Genomic context (GRCh38, chr12:32,796,174, plus strand): 5'-GCCTGCACTAATGGCCATAATTTTCTGGATGCCCCCGGTGTTTAGAAGGTCGCGTGCATT[C>G]TGGTAACTGTTTTGGATTATGTTGTTCAATGTGTAACAGGCAGAGGCTGTAGTTTCAATG-3'
Protein context (NP_001005242.2, residues 754-774): TLNNIIQNSY[Gln764His]NARDLLNTGG

ClinVar aggregate classification (germline): Uncertain significance (1 of 4 stars; one submission).

Conditions:
Arrhythmogenic right ventricular dysplasia 9 (ARVD9). Also called: ARRHYTHMOGENIC RIGHT VENTRICULAR DYSPLASIA, FAMILIAL, 9; Arrhythmogenic Right Ventricular Dysplasia/Cardiomyopathy 9. Identifiers: MedGen C1836906, MONDO:0012180, OMIM 609040.

Submission:

Labcorp Genetics (formerly Invitae), Labcorp
Classification: Uncertain significance for Arrhythmogenic right ventricular dysplasia 9. Last evaluated: 2022-10-12. Review status: criteria provided, single submitter. Criteria: Invitae Variant Classification Sherloc (09022015). Collection method: clinical testing. Allele origin: germline.
Comment: In summary, the available evidence is currently insufficient to determine the role of this variant in disease. Therefore, it has been classified as a Variant of Uncertain Significance. Algorithms developed to predict the effect of missense changes on protein structure and function are either unavailable or do not agree on the potential impact of this missense change (SIFT: "Deleterious"; PolyPhen-2: "Benign"; Align-GVGD: "Class C0"). This variant has not been reported in the literature in individuals affected with PKP2-related conditions. This variant is not present in population databases (gnomAD no frequency). This sequence change replaces glutamine, which is neutral and polar, with histidine, which is basic and polar, at codon 808 of the PKP2 protein (p.Gln808His).